The following is an entry in ClinVar:

NM_000136.3(FANCC):c.1246G>C (p.Ala416Pro)

Genes: AOPEP (aminopeptidase O (putative); plus strand), FANCC (FA complementation group C; minus strand). Cytogenetic location: 9q22.32.
Variant type: single nucleotide variant.
Coding change: c.1246G>C on transcript NM_000136.3 (MANE Select); coding-DNA position 1246, G replaced by C.
Protein change: p.Ala416Pro; replaces alanine 416 with proline.
Molecular consequence: missense variant.
Genome position (GRCh38, 1-based): chr9:95,111,546, C>G on the plus strand (G>C on the coding strand, the complement: FANCC is on the minus strand). VCF-style: chr9-95111546-C-G. GRCh37 (hg19) VCF-style: chr9-97873828-C-G.
Other names: c.1246G>C, p.Ala416Pro (NM_001243743.2, NM_001243744.2); short protein forms A416P.
Identifiers: ClinVar variation 5036465 (VCV005036465.1).

ClinVar aggregate classification (germline): Uncertain significance (1 of 4 stars; one submission).

Conditions:
Hereditary cancer-predisposing syndrome. Also called: Neoplastic Syndromes, Hereditary; Tumor predisposition; Hereditary neoplastic syndrome; Hereditary Cancer Syndrome. Identifiers: Orphanet 140162, MedGen C0027672, MeSH D009386, MONDO:0015356.

gnomAD v4.1: 1 of 1,614,166 alleles (0.000062%); highest among the groups gnomAD compares: Non-Finnish European, 0.000085%; no homozygotes.

Submission:

Ambry Genetics
Classification: Uncertain significance for Hereditary cancer-predisposing syndrome. Last evaluated: 2026-06-16. Review status: criteria provided, single submitter. Criteria: Ambry Variant Classification Scheme 2023. Collection method: clinical testing. Allele origin: germline.
Comment: The p.A416P variant (also known as c.1246G>C), located in coding exon 12 of the FANCC gene, results from a G to C substitution at nucleotide position 1246. The alanine at codon 416 is replaced by proline, an amino acid with highly similar properties. This amino acid position is conserved. In addition, this alteration is predicted to be tolerated by in silico analysis. Based on the available evidence, the clinical significance of this variant remains unclear.